The following is an entry in ClinVar:

ClinVar aggregate classification (germline): Benign (1 of 4 stars; one submission).

Conditions:
Familial adenomatous polyposis 1 (FAP1). Also called: POLYPOSIS, ADENOMATOUS INTESTINAL; FAMILIAL ADENOMATOUS POLYPOSIS 1, ATTENUATED. Identifiers: MedGen C2713442, MONDO:0021056, OMIM 175100. Disease mechanism: loss of function.

Submission:

Myriad Genetics, Inc.
Classification: Benign for Familial adenomatous polyposis 1. Last evaluated: 2024-03-27. Review status: criteria provided, single submitter. Criteria: Myriad Autosomal Dominant, Autosomal Recessive and X-Linked Classification Criteria (2023). Collection method: clinical testing. Allele origin: unknown.
Comment: This variant is considered benign. This variant is a silent/synonymous amino acid change and it is not expected to impact splicing.

NM_000038.6(APC):c.4527G>A (p.Leu1509=)

Gene: APC (APC regulator of Wnt signaling pathway; plus strand). Cytogenetic location: 5q22.2.
Variant type: single nucleotide variant.
Coding change: c.4527G>A on transcript NM_000038.6 (MANE Select); coding-DNA position 4527, G replaced by A.
Protein change: p.Leu1509=; no amino-acid change (leucine 1509 retained).
Molecular consequence: synonymous variant. On other transcripts: non-coding transcript variant (2).
Genome position (GRCh38, 1-based): chr5:112,840,121, G>A. VCF-style: chr5-112840121-G-A. GRCh37 (hg19) VCF-style: chr5-112175818-G-A.
Other names: c.4527G>A, p.Leu1509= (NM_001127510.3, NM_001354895.2, NM_001407450.1); c.4473G>A, p.Leu1491= (NM_001127511.3); c.4581G>A, p.Leu1527= (NM_001354896.2, NM_001407447.1, NM_001407448.1 and 1 more transcripts); c.4557G>A, p.Leu1519= (NM_001354897.2); c.4452G>A, p.Leu1484= (NM_001354898.2); c.4443G>A, p.Leu1481= (NM_001354899.2); c.4404G>A, p.Leu1468= (NM_001354900.2); c.4350G>A, p.Leu1450= (NM_001354901.2, NM_001407453.1); and 11 more.
Identifiers: ClinVar variation 3148241 (VCV003148241.1), dbSNP rs2149916826, ClinGen allele CA446206567.